The following is an entry in ClinVar:

NM_001379500.1(COL18A1):c.2623A>G (p.Asn875Asp)

Gene: COL18A1 (collagen type XVIII alpha 1 chain; plus strand). Cytogenetic location: 21q22.3.
Variant type: single nucleotide variant.
Coding change: c.2623A>G on transcript NM_001379500.1 (MANE Select); coding-DNA position 2623, A replaced by G.
Protein change: p.Asn875Asp; replaces asparagine 875 with aspartic acid.
Molecular consequence: missense variant.
Genome position (GRCh38, 1-based): chr21:45,497,601, A>G. VCF-style: chr21-45497601-A-G. GRCh37 (hg19) VCF-style: chr21-46917515-A-G.
Other names: NM_130445.2:c.2623A>G; c.3163A>G, p.Asn1055Asp (NM_030582.4); c.3868A>G, p.Asn1290Asp (NM_130444.3); c.3163A>G (NM_030582.3); short protein forms N1055D, N1290D.
Identifiers: ClinVar variation 340251 (VCV000340251.11), dbSNP rs371993501, ClinGen allele CA10067249.

ClinVar aggregate classification (germline): Uncertain significance. Review status: criteria provided, multiple submitters, no conflicts (2 of 4 stars). 5 submissions from 5 submitters: Uncertain significance (5). Last evaluated 2025-12-23.

Conditions:
Knobloch syndrome (KNO). Also called: RETINAL DETACHMENT AND OCCIPITAL ENCEPHALOCELE; Myopia retinal detachment encephalocele. Identifiers: Orphanet 1571, MedGen C1849409, MONDO:0800166.
COL18A1-related disorder. Also called: COL18A1-related condition; COL18A1-related disorders.
Inborn genetic diseases. Identifiers: MedGen C0950123, MeSH D030342.

Allele frequency attached by ClinVar (database versions not stated): ESP Exome Variant Server 0.00008; gnomAD exomes 0.00009 and 0.00018; TOPMed 0.00014; gnomAD 0.00015 and 0.00016; ExAC 0.00019.
gnomAD v4.1: 266 of 1,561,416 alleles (0.017%); highest among the groups gnomAD compares: Non-Finnish European, 0.022%; no homozygotes.

Submissions (5):

PreventionGenetics, part of Exact Sciences
Classification: Uncertain significance for COL18A1-related condition. Last evaluated: 2025-12-23. Review status: criteria provided, single submitter. Criteria: ACMG Guidelines, 2015. Collection method: clinical testing. Allele origin: germline.
Comment: The COL18A1 c.3163A>G variant is predicted to result in the amino acid substitution p.Asn1055Asp. To our knowledge, this variant has not been reported in the literature. This variant is reported in 0.020% of alleles in individuals of European (Non-Finnish) descent in gnomAD. At this time, the clinical significance of this variant is uncertain due to the absence of conclusive functional and genetic evidence.

Ambry Genetics
Classification: Uncertain significance for Inborn genetic diseases. Last evaluated: 2025-08-02. Review status: criteria provided, single submitter. Criteria: Ambry Variant Classification Scheme 2023. Collection method: clinical testing. Allele origin: germline.

Labcorp Genetics (formerly Invitae), Labcorp
Classification: Uncertain significance. Last evaluated: 2022-08-31. Review status: criteria provided, single submitter. Criteria: Invitae Variant Classification Sherloc (09022015). Collection method: clinical testing. Allele origin: germline.
Comment: This sequence change replaces asparagine, which is neutral and polar, with aspartic acid, which is acidic and polar, at codon 875 of the COL18A1 protein (p.Asn875Asp). This variant is present in population databases (rs371993501, gnomAD 0.02%). This variant has not been reported in the literature in individuals affected with COL18A1-related conditions. ClinVar contains an entry for this variant (Variation ID: 340251). Experimental studies and prediction algorithms are not available or were not evaluated, and the functional significance of this variant is currently unknown. In summary, the available evidence is currently insufficient to determine the role of this variant in disease. Therefore, it has been classified as a Variant of Uncertain Significance.

Illumina Laboratory Services, Illumina
Classification: Uncertain significance for Knobloch syndrome 1. Last evaluated: 2018-01-12. Review status: criteria provided, single submitter. Criteria: ICSL Variant Classification Criteria 13 December 2019. Collection method: clinical testing. Allele origin: germline.

Athena Diagnostics
Classification: Uncertain significance. Last evaluated: 2017-07-05. Review status: criteria provided, single submitter. Criteria: Athena Diagnostics Criteria. Collection method: clinical testing. Allele origin: germline.